The following is an entry in ClinVar:

NM_000540.3(RYR1):c.8310+5G>A

Gene: RYR1 (ryanodine receptor 1; plus strand). Cytogenetic location: 19q13.2.
Variant type: single nucleotide variant.
Coding change: c.8310+5G>A on transcript NM_000540.3 (MANE Select); 5 bases into the intron after coding-DNA position 8310, G replaced by A.
Molecular consequence: intron variant.
Genome position (GRCh38, 1-based): chr19:38,505,086, G>A. VCF-style: chr19-38505086-G-A. GRCh37 (hg19) VCF-style: chr19-38995726-G-A.
Other names: c.8310+5G>A (NM_001042723.2).
Identifiers: ClinVar variation 4756808 (VCV004756808.1).

ClinVar aggregate classification (germline): Uncertain significance (1 of 4 stars; one submission).

Conditions:
Malignant hyperthermia, susceptibility to, 1 (MHS1). Also called: RYR1-Related Malignant Hyperthermia Susceptibility; Malignant hyperthermia suceptibility 1; Anesthesia related hyperthermia; Malignant hyperpyrexia; Fulminating hyperpyrexia; Pharmacogenic myopathy. Identifiers: Orphanet 423, MedGen C2930980, MONDO:0007783, OMIM 145600.

Submission:

Color Diagnostics, LLC DBA Color Health
Classification: Uncertain significance for Malignant hyperthermia, susceptibility to, 1. Last evaluated: 2025-06-09. Review status: criteria provided, single submitter. Criteria: ACMG Guidelines, 2015. Collection method: clinical testing. Allele origin: germline.
Comment: This variant causes a G to A nucleotide substitution at the +5 position of intron 52/105 of the RYR1 gene. To our knowledge, functional studies have not been reported for this variant. This variant has not been reported in individuals affected with RYR1-related disorders in the literature. This variant has not been identified in the general population by the Genome Aggregation Database (gnomAD). The available evidence is insufficient to determine the role of this variant in disease conclusively. Therefore, this variant is classified as a Variant of Uncertain Significance.